The following is an entry in ClinVar:

NM_000417.3(IL2RA):c.*969G>A

Gene: IL2RA (interleukin 2 receptor subunit alpha; minus strand). Cytogenetic location: 10p15.1.
Variant type: single nucleotide variant.
Coding change: c.*969G>A on transcript NM_000417.3 (MANE Select); 969 bases downstream of the stop codon, G replaced by A.
Molecular consequence: 3 prime UTR variant.
Genome position (GRCh38, 1-based): chr10:6,011,903, C>T on the plus strand (G>A on the coding strand, the complement: IL2RA is on the minus strand). VCF-style: chr10-6011903-C-T. GRCh37 (hg19) VCF-style: chr10-6053866-C-T.
Other names: c.*969G>A (NM_001308242.2, NM_001308243.2).
Identifiers: ClinVar variation 300234 (VCV000300234.6), dbSNP rs12722602, ClinGen allele CA10635992.

ClinVar aggregate classification (germline): Benign. Review status: criteria provided, multiple submitters, no conflicts (2 of 4 stars). 2 submissions from 2 submitters: Benign (2). Last evaluated 2018-01-13.

Conditions:
Immunodeficiency due to CD25 deficiency. Also called: IMMUNODEFICIENCY 41 WITH LYMPHOPROLIFERATION AND AUTOIMMUNITY; CD25 DEFICIENCY; IL2RA DEFICIENCY. Identifiers: Orphanet 169100, MedGen C1853392, MONDO:0011664, OMIM 606367.

Allele frequency attached by ClinVar (database versions not stated): 1000 Genomes Project 30x 0.09010; 1000 Genomes Project 0.09026; TOPMed 0.10284; gnomAD 0.10465 and 0.10647; gnomAD exomes 0.12500.
gnomAD v4.1: 15,935 of 152,396 alleles (10%); highest among the groups gnomAD compares: African/African-American, 14%; 918 homozygotes.

Submissions (2):

Illumina Laboratory Services, Illumina
Classification: Benign for Immunodeficiency due to CD25 deficiency. Last evaluated: 2018-01-13. Review status: criteria provided, single submitter. Criteria: ICSL Variant Classification Criteria 13 December 2019. Collection method: clinical testing. Allele origin: germline.
Comment: This variant was observed in the ICSL laboratory as part of a predisposition screen in an ostensibly healthy population. It had not been previously curated by ICSL or reported in the Human Gene Mutation Database (HGMD: prior to June 1st, 2018), and was therefore a candidate for classification through an automated scoring system. Utilizing variant allele frequency, disease prevalence and penetrance estimates, and inheritance mode, an automated score was calculated to assess if this variant is too frequent to cause the disease. Based on the score and internal cut-off values, a variant classified as benign is not then subjected to further curation. The score for this variant resulted in a classification of benign for this disease.

Breakthrough Genomics
Classification: Benign. Review status: criteria provided, single submitter. Criteria: ACMG Guidelines, 2015. Collection method: not provided. Allele origin: germline. Inheritance: Autosomal recessive inheritance. Affected: yes.